The following is an entry in ClinVar:

NM_020919.4(ALS2):c.3624+6T>C

Gene: ALS2 (alsin Rho guanine nucleotide exchange factor ALS2; minus strand). Cytogenetic location: 2q33.1.
Variant type: single nucleotide variant.
Coding change: c.3624+6T>C on transcript NM_020919.4 (MANE Select); 6 bases into the intron after coding-DNA position 3624, T replaced by C.
Molecular consequence: intron variant.
Genome position (GRCh38, 1-based): chr2:201,723,324, A>G on the plus strand (T>C on the coding strand, the complement: ALS2 is on the minus strand). VCF-style: chr2-201723324-A-G. GRCh37 (hg19) VCF-style: chr2-202588047-A-G.
Identifiers: ClinVar variation 1490775 (VCV001490775.3), dbSNP rs886823785, ClinGen allele CA63937436.
Genomic context (GRCh38, chr2:201,723,324, plus strand): 5'-TTAAAAAGTTAAGGACAAAGGAGCTTTAAAAAGTTAGTAATAACTACATGCAAATATTCC[A>G]CTCACCATCATTTTATTAAGGTGAAAGTTGCCCTCGTAGTATAATCCAAACTGGGTAACC-3'

ClinVar aggregate classification (germline): Uncertain significance (1 of 4 stars; one submission).

Conditions:
Infantile-onset ascending hereditary spastic paralysis (IAHSP). Also called: Autosomal Recessive Juvenile Amyotrophic Lateral Sclerosis; Infantile-Onset Ascending Hereditary Spastic Paralysis (IAHSP). Identifiers: Orphanet 293168, MedGen C2931441, MONDO:0011797, OMIM 607225. Disease mechanism: loss of function.

Allele frequency attached by ClinVar (database versions not stated): gnomAD exomes 0.00001.
gnomAD v4.1: 19 of 1,589,422 alleles (0.0012%); highest among the groups gnomAD compares: Non-Finnish European, 0.0015%; no homozygotes.

Submission:

Labcorp Genetics (formerly Invitae), Labcorp
Classification: Uncertain significance for Infantile-onset ascending hereditary spastic paralysis. Last evaluated: 2022-08-09. Review status: criteria provided, single submitter. Criteria: Invitae Variant Classification Sherloc (09022015). Collection method: clinical testing. Allele origin: germline.
Comment: This sequence change falls in intron 22 of the ALS2 gene. It does not directly change the encoded amino acid sequence of the ALS2 protein. It affects a nucleotide within the consensus splice site. This variant is not present in population databases (gnomAD no frequency). This variant has not been reported in the literature in individuals affected with ALS2-related conditions. ClinVar contains an entry for this variant (Variation ID: 1490775). Variants that disrupt the consensus splice site are a relatively common cause of aberrant splicing (PMID: 17576681, 9536098). Algorithms developed to predict the effect of sequence changes on RNA splicing suggest that this variant is not likely to affect RNA splicing. In summary, the available evidence is currently insufficient to determine the role of this variant in disease. Therefore, it has been classified as a Variant of Uncertain Significance.

Literature cited by the submitters: PubMed 17576681; PubMed 9536098.